The following is an entry in ClinVar:

NM_006364.4(SEC23A):c.487T>G (p.Leu163Val)

Gene: SEC23A (SEC23 homolog A, COPII component; minus strand). Cytogenetic location: 14q21.1.
Variant type: single nucleotide variant.
Coding change: c.487T>G on transcript NM_006364.4 (MANE Select); coding-DNA position 487, T replaced by G.
Protein change: p.Leu163Val; replaces leucine 163 with valine.
Molecular consequence: missense variant.
Genome position (GRCh38, 1-based): chr14:39,091,593, A>C on the plus strand (T>G on the coding strand, the complement: SEC23A is on the minus strand). VCF-style: chr14-39091593-A-C. GRCh37 (hg19) VCF-style: chr14-39560797-A-C.
Other names: short protein forms L163V.
Identifiers: ClinVar variation 1470225 (VCV001470225.8), dbSNP rs777434049, ClinGen allele CA7162129.
Genomic context (GRCh38, chr14:39,091,593, plus strand): 5'-TGCCTTCACATCCAAGTTCATGAACCTGAACCATTCTCCCAAAAGTAATAAGTCCAACCA[A>C]AGCTGTAGGTGGTAAAAGACTTAATGACATCTGCATGGATTCTTTCAGGGCTTGTAAATC-3'
Protein context (NP_006355.2, residues 153-173): MSLSLLPPTA[Leu163Val]VGLITFGRMV

ClinVar aggregate classification (germline): Uncertain significance (1 of 4 stars; one submission).

Conditions:
Craniolenticulosutural dysplasia (CLSD). Also called: BOYADJIEV-JABS SYNDROME. Identifiers: Orphanet 50814, MedGen C1843042, MONDO:0011911, OMIM 607812.

Allele frequency attached by ClinVar (database versions not stated): ExAC 0.00001.
gnomAD v4.1: 1 of 1,613,992 alleles (0.000062%); highest among the groups gnomAD compares: East Asian, 0.0022%; no homozygotes.

Submission:

Labcorp Genetics (formerly Invitae), Labcorp
Classification: Uncertain significance for Craniolenticulosutural dysplasia. Last evaluated: 2025-04-17. Review status: criteria provided, single submitter. Criteria: Invitae Variant Classification Sherloc (09022015). Collection method: clinical testing. Allele origin: germline.
Comment: This sequence change replaces leucine, which is neutral and non-polar, with valine, which is neutral and non-polar, at codon 163 of the SEC23A protein (p.Leu163Val). This variant is present in population databases (rs777434049, gnomAD 0.006%). This variant has not been reported in the literature in individuals affected with SEC23A-related conditions. ClinVar contains an entry for this variant (Variation ID: 1470225). Invitae Evidence Modeling of protein sequence and biophysical properties (such as structural, functional, and spatial information, amino acid conservation, physicochemical variation, residue mobility, and thermodynamic stability) indicates that this missense variant is not expected to disrupt SEC23A protein function with a negative predictive value of 80%. In summary, the available evidence is currently insufficient to determine the role of this variant in disease. Therefore, it has been classified as a Variant of Uncertain Significance.